The following is an entry in ClinVar:

ClinVar aggregate classification (germline): Pathogenic/Likely pathogenic. Review status: criteria provided, multiple submitters, no conflicts (2 of 4 stars). 6 submissions from 6 submitters: Pathogenic (2); Likely pathogenic (4). Last evaluated 2026-07-01.

Conditions:
Glycogen storage disease, type II (IOPD). Also called: CARDIOMEGALIA GLYCOGENICA DIFFUSA; GLYCOGENOSIS, GENERALIZED, CARDIAC FORM; GSD II; Glycogen storage disease type 2; Acid maltase deficiency disease; Aglucosidase alfa. Identifiers: Orphanet 365, MedGen C0017921, MONDO:0009290, OMIM 232300.

Allele frequency attached by ClinVar (database versions not stated): ExAC 0.00001; gnomAD exomes 0.00001.
gnomAD v4.1: 3 of 1,612,772 alleles (0.00019%); highest among the groups gnomAD compares: South Asian, 0.0011%; no homozygotes.

Submissions (6):

Genomenon, Inc
Classification: Likely pathogenic for Glycogen storage disease, type II. Last evaluated: 2026-07-01. Review status: criteria provided, single submitter. Criteria: Genomenon Sequence Variant Interpretation Standards - Updated. Collection method: curation. Allele origin: germline. Affected: no.
Comment: GAA c.2482-2A>G is a canonical splice variant affecting the acceptor splice site of intron 17. It is predicted to affect mRNA splicing, leading to a deleterious effect on the GAA protein. This variant has been reported in the published literature (PMID:23430949;33073027;33560568). It is absent or not present at a significant frequency in gnomAD. In conclusion, we classify GAA c.2482-2A>G as a likely pathogenic variant.

Labcorp Genetics (formerly Invitae), Labcorp
Classification: Likely pathogenic for Glycogen storage disease, type II. Last evaluated: 2025-08-13. Review status: criteria provided, single submitter. Criteria: Invitae Variant Classification Sherloc (09022015). Collection method: clinical testing. Allele origin: germline.
Comment: This sequence change affects an acceptor splice site in intron 17 of the GAA gene. It is expected to disrupt RNA splicing. Variants that disrupt the donor or acceptor splice site typically lead to a loss of protein function (PMID: 16199547), and loss-of-function variants in GAA are known to be pathogenic (PMID: 18425781, 22252923). This variant is present in population databases (rs756671283, gnomAD 0.003%). Disruption of this splice site has been observed in individual(s) with a positive newborn screening result for GAA-related disease (PMID: 23430949; internal data). ClinVar contains an entry for this variant (Variation ID: 1217288). Algorithms developed to predict the effect of sequence changes on RNA splicing suggest that this variant may disrupt the consensus splice site. In summary, the currently available evidence indicates that the variant is pathogenic, but additional data are needed to prove that conclusively. Therefore, this variant has been classified as Likely Pathogenic.

Myriad Genetics, Inc.
Classification: Pathogenic for Glycogen storage disease, type II. Last evaluated: 2025-01-31. Review status: criteria provided, single submitter. Criteria: Myriad Autosomal Dominant, Autosomal Recessive and X-Linked Classification Criteria (2023). Collection method: clinical testing. Allele origin: unknown.
Comment: NM_000152.3(GAA):c.2482-2A>G is a variant in a canonical splice site classified as pathogenic in the context of Pompe disease. c.2482-2A>G has been observed in a case with relevant disease (PMID: 23430949). Relevant functional assessments of this variant are not available in the literature. c.2482-2A>G has been observed in referenced population frequency databases. In summary, NM_000152.3(GAA):c.2482-2A>G is a variant in a canonical splice site in a gene where loss of function is a known mechanism of disease, is predicted to disrupt protein function, and has been observed more frequently in cases with the relevant disease than in healthy populations. Please note: this variant was assessed in the context of healthy population screening.

Revvity Omics, Revvity
Classification: Likely pathogenic. Last evaluated: 2023-10-09. Review status: criteria provided, single submitter. Criteria: ACMG Guidelines, 2015. Collection method: clinical testing. Allele origin: germline.

Baylor Genetics
Classification: Pathogenic for Glycogen storage disease, type II. Last evaluated: 2022-08-03. Review status: criteria provided, single submitter. Criteria: ACMG Guidelines, 2015. Collection method: clinical testing. Allele origin: unknown.

Women's Health and Genetics/Laboratory Corporation of America, LabCorp
Classification: Likely pathogenic for Glycogen storage disease, type II. Last evaluated: 2021-08-31. Review status: criteria provided, single submitter. Criteria: LabCorp Variant Classification Summary - May 2015. Collection method: clinical testing. Allele origin: germline.
Comment: Variant summary: GAA c.2482-2A>G is located in a canonical splice-site and is predicted to affect mRNA splicing resulting in a significantly altered protein due to either exon skipping, shortening, or inclusion of intronic material. Several computational tools predict a significant impact on normal splicing: Four predict the variant abolishes the canonical 3' acceptor site. However, these predictions have yet to be confirmed by functional studies. The variant allele was found at a frequency of 8e-06 in 249940 control chromosomes. c.2482-2A>G has been reported in the literature as a carrier genotype in at-least one individual undergoing newborn screening for Glycogen Storage Disease, Type 2 (Pompe Disease) and has been subsequently cited in the Pompe mutation database (example, Wittmann_2012, de Faria_2021). These report(s) do not provide unequivocal conclusions about association of the variant with Glycogen Storage Disease, Type 2 (Pompe Disease). To our knowledge, no experimental evidence demonstrating an impact on protein function has been reported. No clinical diagnostic laboratories have submitted clinical-significance assessments for this variant to ClinVar after 2014. Based on the evidence outlined above, the variant was classified as likely pathogenic.

Literature cited by the submitters: PubMed 23430949 (cited by 4 submitters); PubMed 33073027 (cited by Genomenon, Inc); PubMed 33560568 (cited by Genomenon, Inc and Women's Health and Genetics/Laboratory Corporation of America, LabCorp); PubMed 16199547 (cited by Labcorp Genetics (formerly Invitae), Labcorp); PubMed 18425781 (cited by Labcorp Genetics (formerly Invitae), Labcorp); PubMed 22252923 (cited by Labcorp Genetics (formerly Invitae), Labcorp).

NM_000152.5(GAA):c.2482-2A>G

Gene: GAA (alpha glucosidase; plus strand). Cytogenetic location: 17q25.3.
Variant type: single nucleotide variant.
Coding change: c.2482-2A>G on transcript NM_000152.5 (MANE Select); the canonical splice acceptor site of the intron before coding-DNA position 2482, A replaced by G.
Molecular consequence: splice acceptor variant.
Genome position (GRCh38, 1-based): chr17:80,118,191, A>G. VCF-style: chr17-80118191-A-G. GRCh37 (hg19) VCF-style: chr17-78091990-A-G.
Other names: c.2482-2A>G (NM_001406741.1, NM_001406742.1, NM_001079803.3 and 1 more transcripts).
Identifiers: ClinVar variation 1217288 (VCV001217288.10), dbSNP rs756671283, ClinGen allele CA8815772.
Genomic context (GRCh38, chr17:80,118,191, plus strand): 5'-CCTGGAGGCCTCCACCTCCACCAGGGTGGGGATGATGACATCACGTGTCCTTCCCTTTCC[A>G]GGGCCCTGGCCTCACAACCACAGAGTCCCGCCAGCAGCCCATGGCCCTGGCTGTGGCCCT-3'